The following is an entry in ClinVar:

NM_013276.4(SHPK):c.272G>A (p.Gly91Asp)

Gene: SHPK (sedoheptulokinase; minus strand). Cytogenetic location: 17p13.2.
Variant type: single nucleotide variant.
Coding change: c.272G>A on transcript NM_013276.4 (MANE Select); coding-DNA position 272, G replaced by A.
Protein change: p.Gly91Asp; replaces glycine 91 with aspartic acid.
Molecular consequence: missense variant.
Genome position (GRCh38, 1-based): chr17:3,630,243, C>T on the plus strand (G>A on the coding strand, the complement: SHPK is on the minus strand). VCF-style: chr17-3630243-C-T. GRCh37 (hg19) VCF-style: chr17-3533537-C-T.
Other names: c.272G>A (NM_013276.2); short protein forms G91D.
Identifiers: ClinVar variation 1446537 (VCV001446537.7), dbSNP rs371484733, ClinGen allele CA8291393.

ClinVar aggregate classification (germline): Uncertain significance. Review status: criteria provided, multiple submitters, no conflicts (2 of 4 stars). 2 submissions from 2 submitters: Uncertain significance (2). Last evaluated 2025-05-28.

Allele frequency attached by ClinVar (database versions not stated): gnomAD exomes 0.00007 and 0.00009; ESP Exome Variant Server 0.00008; gnomAD 0.00009; TOPMed 0.00010; ExAC 0.00014.

Submissions (2):

Ambry Genetics
Classification: Uncertain significance. Last evaluated: 2025-05-28. Review status: criteria provided, single submitter. Criteria: Ambry Variant Classification Scheme 2023. Collection method: clinical testing. Allele origin: germline.

Labcorp Genetics (formerly Invitae), Labcorp
Classification: Uncertain significance. Last evaluated: 2025-03-13. Review status: criteria provided, single submitter. Criteria: Invitae Variant Classification Sherloc (09022015). Collection method: clinical testing. Allele origin: germline.
Comment: This sequence change replaces glycine, which is neutral and non-polar, with aspartic acid, which is acidic and polar, at codon 91 of the SHPK protein (p.Gly91Asp). This variant is present in population databases (rs371484733, gnomAD 0.02%). This variant has not been reported in the literature in individuals affected with SHPK-related conditions. ClinVar contains an entry for this variant (Variation ID: 1446537). An algorithm developed to predict the effect of missense changes on protein structure and function (PolyPhen-2) suggests that this variant is likely to be disruptive. In summary, the available evidence is currently insufficient to determine the role of this variant in disease. Therefore, it has been classified as a Variant of Uncertain Significance.